The following is an entry in ClinVar:

ClinVar aggregate classification (germline): Uncertain significance. Review status: criteria provided, multiple submitters, no conflicts (2 of 4 stars). 5 submissions from 5 submitters: Uncertain significance (5). Last evaluated 2024-02-05.

Conditions:
Hyperuricemia, pulmonary hypertension, renal failure, alkalosis syndrome (HUPRAS). Also called: HYPERURICEMIA, PULMONARY HYPERTENSION, RENAL FAILURE, AND ALKALOSIS SYNDROME; HUPRA SYNDROME. Identifiers: Orphanet 363694, MedGen C3151209, MONDO:0013458, OMIM 613845.

Allele frequency attached by ClinVar (database versions not stated): ExAC 0.00001; gnomAD exomes 0.00001; gnomAD 0.00007 and 0.00009; TOPMed 0.00011.
gnomAD v4.1: 24 of 1,613,204 alleles (0.0015%); highest among the groups gnomAD compares: Admixed American, 0.023%; no homozygotes.

Submissions (5):

Ambry Genetics
Classification: Uncertain significance. Last evaluated: 2024-02-05. Review status: criteria provided, single submitter. Criteria: Ambry Variant Classification Scheme 2023. Collection method: clinical testing. Allele origin: germline.

Fulgent Genetics
Classification: Uncertain significance for Hyperuricemia, pulmonary hypertension, renal failure, alkalosis syndrome. Last evaluated: 2024-01-25. Review status: criteria provided, single submitter. Criteria: ACMG Guidelines, 2015. Collection method: clinical testing. Allele origin: germline.

GeneDx
Classification: Uncertain significance. Last evaluated: 2022-12-22. Review status: criteria provided, single submitter. Criteria: GeneDx Variant Classification Process June 2021. Collection method: clinical testing. Allele origin: germline. Affected: yes.
Comment: Not observed at significant frequency in large population cohorts (gnomAD); In silico analysis supports that this missense variant does not alter protein structure/function; Has not been previously published as pathogenic or benign to our knowledge

Labcorp Genetics (formerly Invitae), Labcorp
Classification: Uncertain significance. Last evaluated: 2022-08-08. Review status: criteria provided, single submitter. Criteria: Invitae Variant Classification Sherloc (09022015). Collection method: clinical testing. Allele origin: germline.
Comment: This sequence change replaces isoleucine, which is neutral and non-polar, with valine, which is neutral and non-polar, at codon 501 of the SARS2 protein (p.Ile501Val). In summary, the available evidence is currently insufficient to determine the role of this variant in disease. Therefore, it has been classified as a Variant of Uncertain Significance. Algorithms developed to predict the effect of missense changes on protein structure and function are either unavailable or do not agree on the potential impact of this missense change (SIFT: "Tolerated"; PolyPhen-2: "Possibly Damaging"; Align-GVGD: "Class C0"). ClinVar contains an entry for this variant (Variation ID: 215113). This variant has not been reported in the literature in individuals affected with SARS2-related conditions. This variant is present in population databases (rs776562420, gnomAD 0.006%).

Breakthrough Genomics
Classification: Uncertain significance. Review status: criteria provided, single submitter. Criteria: ACMG Guidelines, 2015. Collection method: not provided. Allele origin: germline. Inheritance: Autosomal dominant inheritance. Affected: yes.

NM_017827.4(SARS2):c.1501A>G (p.Ile501Val)

Gene: SARS2 (seryl-tRNA synthetase 2, mitochondrial; minus strand). Cytogenetic location: 19q13.2.
Variant type: single nucleotide variant.
Coding change: c.1501A>G on transcript NM_017827.4 (MANE Select); coding-DNA position 1501, A replaced by G.
Protein change: p.Ile501Val; replaces isoleucine 501 with valine.
Molecular consequence: missense variant.
Genome position (GRCh38, 1-based): chr19:38,915,662, T>C on the plus strand (A>G on the coding strand, the complement: SARS2 is on the minus strand). VCF-style: chr19-38915662-T-C. GRCh37 (hg19) VCF-style: chr19-39406302-T-C.
Other names: p.I501V:ATC>GTC; c.1507A>G, p.Ile503Val (NM_001145901.2); short protein forms I501V, I503V.
Identifiers: ClinVar variation 215113 (VCV000215113.8), dbSNP rs776562420, ClinGen allele CA320839.